The following is an entry in ClinVar:

NM_015274.3(MAN2B2):c.2602G>A (p.Ala868Thr)

Gene: MAN2B2 (mannosidase alpha class 2B member 2; plus strand). Cytogenetic location: 4p16.1.
Variant type: single nucleotide variant.
Coding change: c.2602G>A on transcript NM_015274.3 (MANE Select); coding-DNA position 2602, G replaced by A.
Protein change: p.Ala868Thr; replaces alanine 868 with threonine.
Molecular consequence: missense variant.
Genome position (GRCh38, 1-based): chr4:6,614,256, G>A. VCF-style: chr4-6614256-G-A. GRCh37 (hg19) VCF-style: chr4-6615983-G-A.
Other names: c.2449G>A, p.Ala817Thr (NM_001292038.2); short protein forms A817T, A868T.
Identifiers: ClinVar variation 3025695 (VCV003025695.23), dbSNP rs200641954, ClinGen allele CA2841401.

ClinVar aggregate classification (germline): Uncertain significance. Review status: criteria provided, multiple submitters, no conflicts (2 of 4 stars). 2 submissions from 2 submitters: Uncertain significance (2). Last evaluated 2026-01-23.

Allele frequency attached by ClinVar (database versions not stated): gnomAD exomes 0.00016; gnomAD 0.00019; TOPMed 0.00020; ExAC 0.00024; ESP Exome Variant Server 0.00031.
gnomAD v4.1: 276 of 1,613,978 alleles (0.017%); highest among the groups gnomAD compares: Admixed American, 0.022%; no homozygotes.

Submissions (2):

Women's Health and Genetics/Laboratory Corporation of America, LabCorp
Classification: Uncertain significance. Last evaluated: 2026-01-23. Review status: criteria provided, single submitter. Criteria: LabCorp Variant Classification Summary - May 2015. Collection method: clinical testing. Allele origin: germline.

CeGaT Center for Human Genetics Tuebingen
Classification: Uncertain significance. Last evaluated: 2024-01-01. Review status: criteria provided, single submitter. Criteria: CeGaT Center For Human Genetics Tuebingen Variant Classification Criteria Version 2. Collection method: clinical testing. Allele origin: germline. Affected: yes. Observed: 1 variant allele.
Comment: MAN2B2: PM2